The following is an entry in ClinVar:

ClinVar aggregate classification (germline): Uncertain significance (1 of 4 stars; one submission).

Conditions:
Inborn genetic diseases. Identifiers: MedGen C0950123, MeSH D030342.

Submission:

Ambry Genetics
Classification: Uncertain significance for Inborn genetic diseases. Last evaluated: 2025-12-08. Review status: criteria provided, single submitter. Criteria: Ambry Variant Classification Scheme 2023. Collection method: clinical testing. Allele origin: germline.
Comment: The p.M869T variant (also known as c.2606T>C), located in coding exon 11 of the MECOM gene, results from a T to C substitution at nucleotide position 2606. The methionine at codon 869 is replaced by threonine, an amino acid with similar properties. This amino acid position is conserved. In addition, the in silico prediction for this alteration is inconclusive. Based on the available evidence, the clinical significance of this variant remains unclear.

NM_004991.4(MECOM):c.2606T>C (p.Met869Thr)

Gene: MECOM (MDS1 and EVI1 complex locus; minus strand). Cytogenetic location: 3q26.2.
Variant type: single nucleotide variant.
Coding change: c.2606T>C on transcript NM_004991.4 (MANE Select); coding-DNA position 2606, T replaced by C.
Protein change: p.Met869Thr; replaces methionine 869 with threonine.
Molecular consequence: missense variant.
Genome position (GRCh38, 1-based): chr3:169,102,225, A>G on the plus strand (T>C on the coding strand, the complement: MECOM is on the minus strand). VCF-style: chr3-169102225-A-G. GRCh37 (hg19) VCF-style: chr3-168820013-A-G.
Other names: c.2237T>C, p.Met746Thr (NM_001105077.4); c.2042T>C, p.Met681Thr (NM_001105078.4, NM_001205194.2, NM_001366469.2 and 1 more transcripts); c.2018T>C, p.Met673Thr (NM_001163999.2, NM_001366470.2); c.2015T>C, p.Met672Thr (NM_001164000.2, NM_001366471.2, NM_001366472.2); c.2579T>C, p.Met860Thr (NM_001366466.2); c.2045T>C, p.Met682Thr (NM_001366467.2, NM_001366468.2); c.1607T>C, p.Met536Thr (NM_001366473.2); c.1043T>C, p.Met348Thr (NM_001366474.2); short protein forms M348T, M860T, M869T, M672T, M746T, M673T, M681T, M536T.
Identifiers: ClinVar variation 4624739 (VCV004624739.1).